The following is an entry in ClinVar:

NM_001112741.2(KCNC1):c.1370A>T (p.Lys457Met)

Gene: KCNC1 (potassium voltage-gated channel subfamily C member 1; plus strand). Cytogenetic location: 11p15.1.
Variant type: single nucleotide variant.
Coding change: c.1370A>T on transcript NM_001112741.2 (MANE Select); coding-DNA position 1370, A replaced by T.
Protein change: p.Lys457Met; replaces lysine 457 with methionine.
Molecular consequence: missense variant.
Genome position (GRCh38, 1-based): chr11:17,772,464, A>T. VCF-style: chr11-17772464-A-T. GRCh37 (hg19) VCF-style: chr11-17794011-A-T.
Other names: c.1370A>T, p.Lys457Met (NM_004976.4); short protein forms K457M.
Identifiers: ClinVar variation 2008914 (VCV002008914.4), dbSNP rs545364229, ClinGen allele CA379809903.
Genomic context (GRCh38, chr11:17,772,464, plus strand): 5'-ACAATTTCGGGATGTATTACTCCTTAGCCATGGCTAAGCAGAAACTACCAAAGAAAAAAA[A>T]GAAGCATATTCCGCGGCCACCGCAGCTGGGATCTCCCAATTATTGTAAATCTGTCGTAAA-3'
Protein context (NP_001106212.1, residues 447-467): MAKQKLPKKK[Lys457Met]KHIPRPPQLG

ClinVar aggregate classification (germline): Uncertain significance (1 of 4 stars; one submission).

Conditions:
Progressive myoclonic epilepsy type 7. Identifiers: Orphanet 435438, MedGen C4015420, MONDO:0014521, OMIM 616187.

gnomAD v4.1: 1 of 1,614,196 alleles (0.000062%); highest among the groups gnomAD compares: Non-Finnish European, 0.000085%; no homozygotes.

Submission:

Labcorp Genetics (formerly Invitae), Labcorp
Classification: Uncertain significance for Progressive myoclonic epilepsy type 7. Last evaluated: 2022-07-13. Review status: criteria provided, single submitter. Criteria: Invitae Variant Classification Sherloc (09022015). Collection method: clinical testing. Allele origin: germline.
Comment: This sequence change replaces lysine, which is basic and polar, with methionine, which is neutral and non-polar, at codon 457 of the KCNC1 protein (p.Lys457Met). This variant is not present in population databases (gnomAD no frequency). This variant has not been reported in the literature in individuals affected with KCNC1-related conditions. Advanced modeling of protein sequence and biophysical properties (such as structural, functional, and spatial information, amino acid conservation, physicochemical variation, residue mobility, and thermodynamic stability) performed at Invitae indicates that this missense variant is expected to disrupt KCNC1 protein function. In summary, the available evidence is currently insufficient to determine the role of this variant in disease. Therefore, it has been classified as a Variant of Uncertain Significance.